The following is an entry in ClinVar:

NM_007294.4(BRCA1):c.1039_1040del (p.Leu347fs)

Gene: BRCA1 (BRCA1 DNA repair associated; minus strand). Cytogenetic location: 17q21.31.
Variant type: Deletion.
Coding change: c.1039_1040del on transcript NM_007294.4 (MANE Select); coding-DNA positions 1039 to 1040, 2 bases deleted (CT; older notation c.1039_1040delCT).
Protein change: p.Leu347fs; shifts the reading frame from leucine 347.
Molecular consequence: frameshift variant. On other transcripts: intron variant (137).
Genome position (GRCh38, 1-based): chr17:43,094,491-43,094,492, AG deleted on the plus strand (CT on the coding strand, the reverse complement: BRCA1 is on the minus strand). VCF-style (leftmost placement, unchanged base first): chr17-43094490-CAG-C. GRCh37 (hg19) VCF-style: chr17-41246507-CAG-C.
Other names: 1158_1159delCT; c.784+252_784+253del (NM_001408392.1, NM_001407986.1, NM_001407972.1 and 13 more transcripts); c.664+252_664+253del (NM_001408441.1, NM_001408437.1, NM_001408429.1 and 12 more transcripts); c.787+252_787+253del (NM_001407979.1, NM_001407977.1, NM_001407982.1 and 19 more transcripts); c.646+252_646+253del (NM_001408410.1, NM_001408458.1, NM_001408469.1 and 11 more transcripts); c.709+252_709+253del (NM_001408415.1, NM_001408412.1, NM_001408409.1 and 2 more transcripts); c.577+252_577+253del (NM_001408483.1, NM_001408481.1, NM_001408480.1 and 9 more transcripts); c.826_827del, p.Leu276fs (NM_001407571.1, NM_001407853.1, NM_001407894.1 and 9 more transcripts); and 41 more; short protein forms L300fs, L347fs, L258fs, L276fs, L277fs, L279fs, L220fs, L235fs.
Identifiers: ClinVar variation 54105 (VCV000054105.20), dbSNP rs397508827, ClinGen allele CA356572.

ClinVar aggregate classification (germline): Pathogenic. Review status: reviewed by expert panel (3 of 4 stars). 6 submissions from 6 submitters: Pathogenic (1). 5 of the submissions do not count toward it. Last evaluated 2016-10-18.

Conditions:
Hereditary breast ovarian cancer syndrome. Also called: Hereditary breast and ovarian cancer syndrome (HBOC); Hereditary breast and ovarian cancer syndrome; Hereditary breast and ovarian cancer; Hereditary breast and/or ovarian cancer syndrome; Breast and ovarian cancer; BRCA1- and BRCA2-Associated Hereditary Breast and Ovarian Cancer. Identifiers: Orphanet 145, MedGen C0677776, MeSH D061325, MONDO:0003582. Disease mechanism: loss of function.
Breast-ovarian cancer, familial, susceptibility to, 1 (BROVCA1). Also called: OVARIAN CANCER, SUSCEPTIBILITY TO; BRCA1 Hereditary Breast and Ovarian Cancer. Identifiers: Orphanet 145, MedGen C2676676, MONDO:0011450, OMIM 604370. Disease mechanism: loss of function.

Submissions (6):

Evidence-based Network for the Interpretation of Germline Mutant Alleles (ENIGMA)
Classification: Pathogenic for Breast-ovarian cancer, familial, susceptibility to, 1. Last evaluated: 2016-10-18. Review status: reviewed by expert panel. Criteria: ENIGMA BRCA1/2 Classification Criteria (2015). Collection method: curation. Allele origin: germline.
Comment: Variant allele predicted to encode a truncated non-functional protein.

Labcorp Genetics (formerly Invitae), Labcorp
Classification: Pathogenic for Hereditary breast ovarian cancer syndrome. Last evaluated: 2025-10-02. Review status: criteria provided, single submitter. Criteria: Invitae Variant Classification Sherloc (09022015). Collection method: clinical testing. Allele origin: germline. Not counted in ClinVar's aggregate classification.
Comment: This sequence change creates a premature translational stop signal (p.Leu347Valfs*2) in the BRCA1 gene. It is expected to result in an absent or disrupted protein product. Loss-of-function variants in BRCA1 are known to be pathogenic (PMID: 20104584). This variant is not present in population databases (gnomAD no frequency). This premature translational stop signal has been observed in individual(s) with clinical features of hereditary breast and ovarian cancer syndrome (PMID: 11802209, 28828701, 29176636, 29907814, 31209999). This variant is also known as c.1158delCT. ClinVar contains an entry for this variant (Variation ID: 54105). For these reasons, this variant has been classified as Pathogenic.

Quest Diagnostics Nichols Institute San Juan Capistrano
Classification: Pathogenic. Last evaluated: 2019-10-04. Review status: criteria provided, single submitter. Criteria: Quest Diagnostics criteria. Collection method: clinical testing. Allele origin: unknown. Not counted in ClinVar's aggregate classification.
Comment: The variant results in a shift of the reading frame, and is therefore predicted to result in the loss of a functional protein. Found in at least one patient with expected phenotype for this gene, and not found in general population data.

GeneDx
Classification: Pathogenic. Last evaluated: 2016-02-01. Review status: criteria provided, single submitter. Criteria: GeneDx Variant Classification (06012015). Collection method: clinical testing. Allele origin: germline. Affected: yes. Not counted in ClinVar's aggregate classification.
Comment: This deletion of 2 nucleotides in BRCA1 is denoted c.1039_1040delCT at the cDNA level and p.Leu347ValfsX2 (L347VfsX2) at the protein level. The normal sequence, with the bases that are deleted in braces, is TCCC[CT]GTGT. The deletion causes a frameshift, which changes a Leucine to a Valine at codon 347, and creates a premature stop codon at position 2 of the new reading frame. This variant is predicted to cause loss of normal protein function through either protein truncation or nonsense-mediated mRNA decay. This variant, also known as BRCA1 c.1158_1159delCT and published as BRCA1 1158delCT using alternate nomenclature, has been reported in families with breast and/or ovarian cancer (Meindl 2002, Song 2014). We consider this variant to be pathogenic.

Consortium of Investigators of Modifiers of BRCA1/2 (CIMBA), c/o University of Cambridge
Classification: Pathogenic for Breast-ovarian cancer, familial, susceptibility to, 1. Last evaluated: 2015-10-02. Review status: criteria provided, single submitter. Criteria: CIMBA Mutation Classification guidelines May 2016. Collection method: clinical testing. Allele origin: germline. Not counted in ClinVar's aggregate classification.

Kasturba Medical College, Manipal, Kasturba Medical College, Manipal, Manipal Academy of Higher Education, Manipal, India
Classification: Pathogenic for Breast-ovarian cancer, familial, susceptibility to, 1. Review status: criteria provided, single submitter. Criteria: ACMG Guidelines, 2015. Collection method: clinical testing. Allele origin: unknown. Inheritance: Autosomal dominant inheritance. Affected: yes. Observed: 1 heterozygote. Not counted in ClinVar's aggregate classification.

Literature cited by the submitters: PubMed 20104584 (cited by Labcorp Genetics (formerly Invitae), Labcorp); PubMed 11802209 (cited by Labcorp Genetics (formerly Invitae), Labcorp and Quest Diagnostics Nichols Institute San Juan Capistrano); PubMed 28828701 (cited by Labcorp Genetics (formerly Invitae), Labcorp); PubMed 29176636 (cited by Labcorp Genetics (formerly Invitae), Labcorp); PubMed 29907814 (cited by Labcorp Genetics (formerly Invitae), Labcorp); PubMed 31209999 (cited by Labcorp Genetics (formerly Invitae), Labcorp); PubMed 24728189 (cited by Quest Diagnostics Nichols Institute San Juan Capistrano).